The following is an entry in ClinVar:

ClinVar aggregate classification (germline): Conflicting classifications of pathogenicity. Review status: criteria provided, conflicting classifications (1 of 4 stars). 2 submissions from 2 submitters: Uncertain significance (1); Likely benign (1). Last evaluated 2023-03-23.

Conditions:
Hereditary cancer-predisposing syndrome. Also called: Neoplastic Syndromes, Hereditary; Tumor predisposition; Hereditary neoplastic syndrome; Hereditary Cancer Syndrome. Identifiers: Orphanet 140162, MedGen C0027672, MeSH D009386, MONDO:0015356.
Hereditary breast ovarian cancer syndrome. Also called: BRCA1- and BRCA2-Associated Hereditary Breast and Ovarian Cancer; Hereditary breast and ovarian cancer syndrome (HBOC); Hereditary breast and ovarian cancer syndrome; Hereditary breast and ovarian cancer; Hereditary breast and/or ovarian cancer syndrome; Breast and ovarian cancer. Identifiers: Orphanet 145, MedGen C0677776, MeSH D061325, MONDO:0003582. Disease mechanism: loss of function.

Submissions (2):

University of Washington Department of Laboratory Medicine, University of Washington
Classification: Likely benign for Hereditary cancer-predisposing syndrome. Last evaluated: 2023-03-23. Review status: criteria provided, single submitter. Criteria: Dines et al. (Genet Med. 2020). Collection method: curation. Allele origin: germline.
Comment: Missense variant in a coldspot region where missense variants are very unlikely to be pathogenic (PMID:31911673).

BRCA2 exon 10 coldspot. Reclassification based on statistical prior probability.

Labcorp Genetics (formerly Invitae), Labcorp
Classification: Uncertain significance for Hereditary breast ovarian cancer syndrome. Last evaluated: 2022-10-20. Review status: criteria provided, single submitter. Criteria: Invitae Variant Classification Sherloc (09022015). Collection method: clinical testing. Allele origin: germline.
Comment: This sequence change replaces serine, which is neutral and polar, with cysteine, which is neutral and slightly polar, at codon 492 of the BRCA2 protein (p.Ser492Cys). This variant is not present in population databases (gnomAD no frequency). This variant has not been reported in the literature in individuals affected with BRCA2-related conditions. Advanced modeling of protein sequence and biophysical properties (such as structural, functional, and spatial information, amino acid conservation, physicochemical variation, residue mobility, and thermodynamic stability) performed at Invitae indicates that this missense variant is not expected to disrupt BRCA2 protein function. In summary, the available evidence is currently insufficient to determine the role of this variant in disease. Therefore, it has been classified as a Variant of Uncertain Significance.

NM_000059.4(BRCA2):c.1475C>G (p.Ser492Cys)

Gene: BRCA2 (BRCA2 DNA repair associated; plus strand). Cytogenetic location: 13q13.1.
Variant type: single nucleotide variant.
Coding change: c.1475C>G on transcript NM_000059.4 (MANE Select); coding-DNA position 1475, C replaced by G.
Protein change: p.Ser492Cys; replaces serine 492 with cysteine.
Molecular consequence: missense variant.
Genome position (GRCh38, 1-based): chr13:32,332,953, C>G. VCF-style: chr13-32332953-C-G. GRCh37 (hg19) VCF-style: chr13-32907090-C-G.
Other names: c.1475C>G, p.Ser492Cys (NM_001406719.1, NM_001406720.1, NM_001406721.1); short protein forms S492C.
Identifiers: ClinVar variation 1721942 (VCV001721942.7), dbSNP rs2137471880, ClinGen allele CA387764409.